The following is an entry in ClinVar:

NM_000243.3(MEFV):c.2327G>C (p.Gly776Ala)

Gene: MEFV (MEFV innate immunity regulator, pyrin; minus strand). Cytogenetic location: 16p13.3.
Variant type: single nucleotide variant.
Coding change: c.2327G>C on transcript NM_000243.3 (MANE Select); coding-DNA position 2327, G replaced by C.
Protein change: p.Gly776Ala; replaces glycine 776 with alanine.
Molecular consequence: missense variant. On other transcripts: 3 prime UTR variant (1).
Genome position (GRCh38, 1-based): chr16:3,243,160, C>G on the plus strand (G>C on the coding strand, the complement: MEFV is on the minus strand). VCF-style: chr16-3243160-C-G. GRCh37 (hg19) VCF-style: chr16-3293160-C-G.
Other names: c.*531G>C (NM_001198536.2); short protein forms G776A.
Identifiers: ClinVar variation 646446 (VCV000646446.8), dbSNP rs1479429941, ClinGen allele CA394484285.
Genomic context (GRCh38, chr16:3,243,160, plus strand): 5'-TACAAGGCCAGAAGCAGGAAGAGAGATGCAGTGTTGGGCATTCAGTCAGGCCCCTGACCA[C>G]CCACTGGACAGATAGTCAGAGGAGCTGTGTTCTTCCCTCCATCACGTGTCCCAGGGCTGA-3'
Protein context (NP_000234.1, residues 766-781): NTAPLTICPV[Gly776Ala]GQGPD

ClinVar aggregate classification (germline): Uncertain significance (1 of 4 stars; one submission).

Conditions:
Familial Mediterranean fever (FMF). Also called: POLYSEROSITIS, FAMILIAL PAROXYSMAL; POLYSEROSITIS, RECURRENT; Periodic peritonitis; Benign paroxysmal peritonitis. Identifiers: Orphanet 342, MedGen C0031069, MONDO:0018088, OMIM 249100. Disease mechanism: gain of function.

Submission:

Labcorp Genetics (formerly Invitae), Labcorp
Classification: Uncertain significance for Familial Mediterranean fever. Last evaluated: 2023-06-19. Review status: criteria provided, single submitter. Criteria: Invitae Variant Classification Sherloc (09022015). Collection method: clinical testing. Allele origin: germline.
Comment: This sequence change replaces glycine, which is neutral and non-polar, with alanine, which is neutral and non-polar, at codon 776 of the MEFV protein (p.Gly776Ala). This variant is not present in population databases (gnomAD no frequency). This variant has not been reported in the literature in individuals affected with MEFV-related conditions. ClinVar contains an entry for this variant (Variation ID: 646446). An algorithm developed to predict the effect of missense changes on protein structure and function (PolyPhen-2) suggests that this variant is likely to be tolerated. In summary, the available evidence is currently insufficient to determine the role of this variant in disease. Therefore, it has been classified as a Variant of Uncertain Significance.